The following is an entry in ClinVar:

NM_006767.4(LZTR1):c.645_651+30dup

Gene: LZTR1 (leucine zipper like post translational regulator 1; plus strand). Cytogenetic location: 22q11.21.
Variant type: Duplication.
Coding change: c.645_651+30dup on transcript NM_006767.4 (MANE Select); coding-DNA position 645 through 30 bases into the intron after coding-DNA position 651, 37 bases duplicated.
Molecular consequence: splice donor variant.
Genome position (GRCh38, 1-based): chr22:20,989,676-20,989,712, 37 bases duplicated. GRCh37 (hg19): chr22:21,343,965-21,344,001.
Identifiers: ClinVar variation 3718291 (VCV003718291.2).

ClinVar aggregate classification (germline): Uncertain significance (1 of 4 stars; one submission).

Submission:

Labcorp Genetics (formerly Invitae), Labcorp
Classification: Uncertain significance. Last evaluated: 2025-09-04. Review status: criteria provided, single submitter. Criteria: Invitae Variant Classification Sherloc (09022015). Collection method: clinical testing. Allele origin: germline.
Comment: This sequence change falls in intron 7 of the LZTR1 gene. It does not directly change the encoded amino acid sequence of the LZTR1 protein. This variant is not present in population databases (gnomAD no frequency). This variant has not been reported in the literature in individuals affected with LZTR1-related conditions. ClinVar contains an entry for this variant (Variation ID: 3718291). In summary, the available evidence is currently insufficient to determine the role of this variant in disease. Therefore, it has been classified as a Variant of Uncertain Significance.